The following is an entry in ClinVar:

ClinVar aggregate classification (germline): Uncertain significance. Review status: criteria provided, single submitter (1 of 4 stars). 2 submissions from 2 submitters: Uncertain significance (1). 1 of the submissions does not count toward it. Last evaluated 2024-11-20.

Conditions:
COL7A1-related disorder. Also called: COL7A1-related condition; COL7A1- related disorders.
Epidermolysis bullosa dystrophica. Also called: Dystrophic epidermolysis bullosa, Hallopeau-Siemens type (formerly); Dystrophic epidermolysis bullosa. Identifiers: Orphanet 303, MedGen C0079294, MONDO:0006543.

Submissions (2):

PreventionGenetics, part of Exact Sciences
Classification: Uncertain significance for COL7A1-related condition. Last evaluated: 2024-11-20. Review status: criteria provided, single submitter. Criteria: ACMG Guidelines, 2015. Collection method: clinical testing. Allele origin: germline.
Comment: The COL7A1 c.847-3C>G variant is predicted to interfere with splicing. Based on available splicing prediction programs (Alamut Visual v1.6.1; SpliceAI, Jaganathan et al. 2019. PubMed ID: 30661751), this variant is predicted to weaken the canonical splice acceptor site; however, the use of computer prediction programs is not equivalent to functional evidence. To our knowledge, this variant has not been reported in the literature or in a large population database (gnomAD), indicating this variant is rare. Although we suspect that this variant may be pathogenic, at this time, the clinical significance of this variant is uncertain due to the absence of conclusive functional and genetic evidence.

Natera, Inc.
Classification: Uncertain significance for Dystrophic epidermolysis bullosa. Last evaluated: 2025-05-12. Review status: no assertion criteria provided. Collection method: clinical testing. Allele origin: germline. Not counted in ClinVar's aggregate classification.

NM_000094.4(COL7A1):c.847-3C>G

Gene: COL7A1 (collagen type VII alpha 1 chain; minus strand). Cytogenetic location: 3p21.31.
Variant type: single nucleotide variant.
Coding change: c.847-3C>G on transcript NM_000094.4 (MANE Select); 3 bases into the intron before coding-DNA position 847, C replaced by G.
Molecular consequence: intron variant.
Genome position (GRCh38, 1-based): chr3:48,592,702, G>C on the plus strand (C>G on the coding strand, the complement: COL7A1 is on the minus strand). VCF-style: chr3-48592702-G-C. GRCh37 (hg19) VCF-style: chr3-48630135-G-C.
Identifiers: ClinVar variation 4065153 (VCV004065153.2).
Genomic context (GRCh38, chr3:48,592,702, plus strand): 5'-CGGTCAGTGGCCGGAGACCCCGCAGCCGCACACTGGTCTCACCAGCTGGGACGTTCACCT[G>C]CCCAGGGCAAGAGGTCACTTTATCTTGCCCAGCCAAGTCCCCAGCCACCACCTATCACTC-3'